The following is an entry in ClinVar:

NM_002485.5(NBN):c.191C>G (p.Pro64Arg)

Gene: NBN (nibrin; minus strand). Cytogenetic location: 8q21.3.
Variant type: single nucleotide variant.
Coding change: c.191C>G on transcript NM_002485.5 (MANE Select); coding-DNA position 191, C replaced by G.
Protein change: p.Pro64Arg; replaces proline 64 with arginine.
Molecular consequence: missense variant. On other transcripts: 5 prime UTR variant (1).
Genome position (GRCh38, 1-based): chr8:89,981,504, G>C on the plus strand (C>G on the coding strand, the complement: NBN is on the minus strand). VCF-style: chr8-89981504-G-C. GRCh37 (hg19) VCF-style: chr8-90993732-G-C.
Other names: c.-56C>G (NM_001024688.3); short protein forms P64R.
Identifiers: ClinVar variation 568221 (VCV000568221.15), dbSNP rs1563581492, ClinGen allele CA371662601.

ClinVar aggregate classification (germline): Uncertain significance. Review status: criteria provided, multiple submitters, no conflicts (2 of 4 stars). 5 submissions from 5 submitters: Uncertain significance (4). 1 of the submissions does not count toward it. Last evaluated 2024-08-30.

Conditions:
Hereditary cancer-predisposing syndrome. Also called: Neoplastic Syndromes, Hereditary; Tumor predisposition; Hereditary Cancer Syndrome; Hereditary neoplastic syndrome. Identifiers: Orphanet 140162, MedGen C0027672, MeSH D009386, MONDO:0015356.
Aplastic anemia. Identifiers: Orphanet 182040, Orphanet 88, MedGen C0002874, MONDO:0015909, OMIM 609135, HP:0001915.
Microcephaly, normal intelligence and immunodeficiency (NBS). Also called: Nijmegen breakage syndrome; Immunodeficiency, microcephaly with normal intelligence; SEEMANOVA SYNDROME II; Microcephaly with normal intelligence immunodeficiency and lymphoreticular malignancies; Nonsyndromal microcephaly autosomal recessive with normal intelligence; Seemanova syndrome 2. Identifiers: Orphanet 647, MedGen C0398791, MONDO:0009623, OMIM 251260.

Allele frequency attached by ClinVar (database versions not stated): gnomAD 0.00001.
gnomAD v4.1: 3 of 1,612,956 alleles (0.00019%); highest among the groups gnomAD compares: East Asian, 0.0067%; no homozygotes.

Submissions (5):

Labcorp Genetics (formerly Invitae), Labcorp
Classification: Uncertain significance for Microcephaly, normal intelligence and immunodeficiency. Last evaluated: 2024-08-30. Review status: criteria provided, single submitter. Criteria: Invitae Variant Classification Sherloc (09022015). Collection method: clinical testing. Allele origin: germline.
Comment: This sequence change replaces proline, which is neutral and non-polar, with arginine, which is basic and polar, at codon 64 of the NBN protein (p.Pro64Arg). This variant is not present in population databases (gnomAD no frequency). This variant has not been reported in the literature in individuals affected with NBN-related conditions. ClinVar contains an entry for this variant (Variation ID: 568221). An algorithm developed to predict the effect of missense changes on protein structure and function (PolyPhen-2) suggests that this variant is likely to be disruptive. In summary, the available evidence is currently insufficient to determine the role of this variant in disease. Therefore, it has been classified as a Variant of Uncertain Significance.

Baylor Genetics
Classification: Uncertain significance for Aplastic anemia. Last evaluated: 2024-02-10. Review status: criteria provided, single submitter. Criteria: ACMG Guidelines, 2015. Collection method: clinical testing. Allele origin: unknown.

Ambry Genetics
Classification: Uncertain significance for Hereditary cancer-predisposing syndrome. Last evaluated: 2024-01-25. Review status: criteria provided, single submitter. Criteria: Ambry Variant Classification Scheme 2023. Collection method: clinical testing. Allele origin: germline.
Comment: The p.P64R variant (also known as c.191C>G), located in coding exon 3 of the NBN gene, results from a C to G substitution at nucleotide position 191. The proline at codon 64 is replaced by arginine, an amino acid with dissimilar properties. This amino acid position is highly conserved in available vertebrate species. In addition, this alteration is predicted to be deleterious by in silico analysis. Since supporting evidence is limited at this time, the clinical significance of this alteration remains unclear.

Sema4
Classification: Uncertain significance for Hereditary cancer-predisposing syndrome. Last evaluated: 2022-01-03. Review status: criteria provided, single submitter. Criteria: Sema4 Curation Guidelines. Collection method: curation. Allele origin: germline.
Comment: The NBN c.191C>G (p.P64R) variant has been reported in 2/60466 breast cancer cases and 0/53461 healthy controls by a large case-control study (PMID: 33471991).This variant was not observed in the large and broad cohorts of the Genome Aggregation Database (PMID: 32461654). This variant has been reported in ClinVar (Variation ID: 568221). In silico tools suggest the impact of the variant on protein function is deleterious, though these predictions have not been confirmed by functional studies. The overall evidence is insufficient to meet ACMG/AMP criteria for classifying the variant as benign or pathogenic. Thus, the clinical significance of this variant is currently uncertain.

Natera, Inc.
Classification: Uncertain significance for Nijmegen breakage syndrome. Last evaluated: 2020-09-16. Review status: no assertion criteria provided. Collection method: clinical testing. Allele origin: germline. Not counted in ClinVar's aggregate classification.

Literature cited by the submitters: PubMed 33471991 (cited by Sema4).